The following is an entry in ClinVar:

ClinVar aggregate classification (germline): Conflicting classifications of pathogenicity. Review status: criteria provided, conflicting classifications (1 of 4 stars). 4 submissions from 4 submitters: Uncertain significance (3); Likely benign (1). Last evaluated 2026-06-23.

Conditions:
Inborn genetic diseases. Identifiers: MedGen C0950123, MeSH D030342.
SETX-related disorder. Also called: SETX-related disorders; SETX-related condition. Identifiers: MedGen CN239403.
Spinocerebellar ataxia, autosomal recessive, with axonal neuropathy 2 (SCAN2). Also called: Ataxia with Oculomotor Apraxia; ATAXIA-OCULOMOTOR APRAXIA 2; Ataxia-ocular apraxia-2; Ataxia with Oculomotor Apraxia Type 2. Identifiers: Orphanet 64753, MedGen C1853761, MONDO:0018996, OMIM 606002.
Amyotrophic lateral sclerosis type 4 (ALS4). Also called: NEURONOPATHY, DISTAL HEREDITARY MOTOR, WITH PYRAMIDAL FEATURES; AMYOTROPHIC LATERAL SCLEROSIS 4, JUVENILE. Identifiers: Orphanet 357043, MedGen C1865409, MONDO:0011223, OMIM 602433.

Allele frequency attached by ClinVar (database versions not stated): ExAC 0.00001; gnomAD 0.00001; gnomAD exomes 0.00002 and 0.00003; TOPMed 0.00003; ESP Exome Variant Server 0.00015.
gnomAD v4.1: 51 of 1,613,688 alleles (0.0032%); highest among the groups gnomAD compares: Non-Finnish European, 0.0042%; no homozygotes.

Submissions (4):

PreventionGenetics, part of Exact Sciences
Classification: Uncertain significance for SETX-related condition. Last evaluated: 2026-06-23. Review status: criteria provided, single submitter. Criteria: ACMG Guidelines, 2015. Collection method: clinical testing. Allele origin: germline.
Comment: The SETX c.2005A>T variant is predicted to result in the amino acid substitution p.Asn669Tyr. To our knowledge, this variant has not been reported in the literature. This variant is reported in 0.0054% of alleles in individuals of European (non-Finnish) descent in gnomAD. At this time, the clinical significance of this variant is uncertain due to the absence of conclusive functional and genetic evidence.

Labcorp Genetics (formerly Invitae), Labcorp
Classification: Likely benign for Amyotrophic lateral sclerosis type 4; Spinocerebellar ataxia, autosomal recessive, with axonal neuropathy 2. Last evaluated: 2024-11-01. Review status: criteria provided, single submitter. Criteria: Invitae Variant Classification Sherloc (09022015). Collection method: clinical testing. Allele origin: germline.

Ambry Genetics
Classification: Uncertain significance for Inborn genetic diseases. Last evaluated: 2023-11-28. Review status: criteria provided, single submitter. Criteria: Ambry Variant Classification Scheme 2023. Collection method: clinical testing. Allele origin: germline.

Athena Diagnostics
Classification: Uncertain significance. Last evaluated: 2018-12-28. Review status: criteria provided, single submitter. Criteria: Athena Diagnostics Criteria. Collection method: clinical testing. Allele origin: germline.

NM_015046.7(SETX):c.2005A>T (p.Asn669Tyr)

Gene: SETX (senataxin; minus strand). Cytogenetic location: 9q34.13.
Variant type: single nucleotide variant.
Coding change: c.2005A>T on transcript NM_015046.7 (MANE Select); coding-DNA position 2005, A replaced by T.
Protein change: p.Asn669Tyr; replaces asparagine 669 with tyrosine.
Molecular consequence: missense variant.
Genome position (GRCh38, 1-based): chr9:132,329,593, T>A on the plus strand (A>T on the coding strand, the complement: SETX is on the minus strand). VCF-style: chr9-132329593-T-A. GRCh37 (hg19) VCF-style: chr9-135204980-T-A.
Other names: c.2005A>T, p.Asn669Tyr (NM_001351527.2, NM_001351528.2); short protein forms N669Y.
Identifiers: ClinVar variation 468490 (VCV000468490.14), dbSNP rs143727702, ClinGen allele CA5297680.